The following is an entry in ClinVar:

ClinVar aggregate classification (germline): Likely benign. Review status: criteria provided, multiple submitters, no conflicts (2 of 4 stars). 3 submissions from 3 submitters: Likely benign (2). 1 of the submissions does not count toward it. Last evaluated 2025-11-22.

Conditions:
Nephronophthisis. Also called: Juvenile Nephronophthisis. Identifiers: Orphanet 655, MedGen C0687120, MONDO:0019005, HP:0000090.
Nephronophthisis 1 (NPHP1). Also called: Nephronophthisis familial juvenile. Identifiers: Orphanet 655, Orphanet 93592, MedGen C1855681, MONDO:0009728, OMIM 256100.
Joubert syndrome with renal defect. Also called: JOUBERT SYNDROME 4. Identifiers: Orphanet 220497, MedGen C1846790, MONDO:0012308, OMIM 609583.
Senior-Loken syndrome 1 (SLSN1). Also called: JUVENILE NEPHRONOPHTHISIS WITH LEBER AMAUROSIS. Identifiers: Orphanet 3156, MedGen C4551559, MONDO:0009962, OMIM 266900.
NPHP1-related disorder. Also called: NPHP1-related disorders; NPHP1-related condition.

Allele frequency attached by ClinVar (database versions not stated): gnomAD 0.00015 and 0.00018; 1000 Genomes Project 30x 0.00016; gnomAD exomes 0.00001 and 0.00002; TOPMed 0.00013; ESP Exome Variant Server 0.00015; ExAC 0.00004.
gnomAD v4.1: 36 of 1,614,054 alleles (0.0022%); highest among the groups gnomAD compares: African/African-American, 0.047%; no homozygotes.

Submissions (3):

Labcorp Genetics (formerly Invitae), Labcorp
Classification: Likely benign for Nephronophthisis. Last evaluated: 2025-11-22. Review status: criteria provided, single submitter. Criteria: Invitae Variant Classification Sherloc (09022015). Collection method: clinical testing. Allele origin: germline.

Fulgent Genetics
Classification: Likely benign for Nephronophthisis 1; Senior-Loken syndrome 1; Joubert syndrome with renal defect. Last evaluated: 2024-02-02. Review status: criteria provided, single submitter. Criteria: ACMG Guidelines, 2015. Collection method: clinical testing. Allele origin: germline.

PreventionGenetics, part of Exact Sciences
Classification: Likely benign for NPHP1-related condition. Last evaluated: 2024-09-04. Review status: no assertion criteria provided. Collection method: clinical testing. Allele origin: germline. Not counted in ClinVar's aggregate classification.
Comment: This variant is classified as likely benign based on ACMG/AMP sequence variant interpretation guidelines (Richards et al. 2015 PMID: 25741868, with internal and published modifications).

NM_001128178.3(NPHP1):c.2007G>A (p.Leu669=)

Gene: NPHP1 (nephrocystin 1; minus strand). Cytogenetic location: 2q13.
Variant type: single nucleotide variant.
Coding change: c.2007G>A on transcript NM_001128178.3 (MANE Select); coding-DNA position 2007, G replaced by A.
Protein change: p.Leu669=; no amino-acid change (leucine 669 retained).
Molecular consequence: synonymous variant. On other transcripts: 3 prime UTR variant (1).
Genome position (GRCh38, 1-based): chr2:110,123,818, C>T on the plus strand (G>A on the coding strand, the complement: NPHP1 is on the minus strand). VCF-style: chr2-110123818-C-T. GRCh37 (hg19) VCF-style: chr2-110881395-C-T.
Other names: c.2175G>A, p.Leu725= (NM_000272.5); c.1818G>A, p.Leu606= (NM_001128179.3); c.2004G>A, p.Leu668= (NM_001374256.1); c.*249G>A (NM_001374257.1); c.2172G>A, p.Leu724= (NM_207181.4); c.2175G>A (NM_000272.3).
Identifiers: ClinVar variation 1062140 (VCV001062140.12), dbSNP rs151120697, ClinGen allele CA1826833.